The following is an entry in ClinVar:

ClinVar aggregate classification (germline): Uncertain significance. Review status: criteria provided, multiple submitters, no conflicts (2 of 4 stars). 3 submissions from 3 submitters: Uncertain significance (2). 1 of the submissions does not count toward it. Last evaluated 2025-02-13.

Conditions:
Primary dilated cardiomyopathy (DCM). Also called: Dilated Cardiomyopathy. Identifiers: Orphanet 217604, MedGen C0007193, MeSH D002311, MONDO:0005021, HP:0001644. Inheritance: Various modes of inheritance.
Dilated cardiomyopathy 1DD (CMD1DD). Identifiers: Orphanet 154, MedGen C2750995, MONDO:0013168, OMIM 613172.

Submissions (3):

GeneDx
Classification: Uncertain significance. Last evaluated: 2025-02-13. Review status: criteria provided, single submitter. Criteria: GeneDx Variant Classification Process June 2021. Collection method: clinical testing. Allele origin: germline. Affected: yes.
Comment: Not observed at significant frequency in large population cohorts (gnomAD); In silico analysis indicates that this missense variant does not alter protein structure/function; This variant is associated with the following publications: (PMID: 34174465)

Labcorp Genetics (formerly Invitae), Labcorp
Classification: Uncertain significance for Dilated cardiomyopathy 1DD. Last evaluated: 2022-05-02. Review status: criteria provided, single submitter. Criteria: Invitae Variant Classification Sherloc (09022015). Collection method: clinical testing. Allele origin: germline.
Comment: This sequence change replaces methionine, which is neutral and non-polar, with valine, which is neutral and non-polar, at codon 194 of the RBM20 protein (p.Met194Val). This variant is not present in population databases (gnomAD no frequency). In summary, the available evidence is currently insufficient to determine the role of this variant in disease. Therefore, it has been classified as a Variant of Uncertain Significance. Advanced modeling of protein sequence and biophysical properties (such as structural, functional, and spatial information, amino acid conservation, physicochemical variation, residue mobility, and thermodynamic stability) performed at Invitae indicates that this missense variant is not expected to disrupt RBM20 protein function. ClinVar contains an entry for this variant (Variation ID: 1065529). This missense change has been observed in individual(s) with dilated cardiomyopathy (PMID: 34174465).

Heart Failure and Familial Heart Diseases Unit, Hospital Universitario Virgen de la Victoria
Classification: Uncertain significance for Primary dilated cardiomyopathy. Last evaluated: 2020-02-17. Review status: no assertion criteria provided. Collection method: clinical testing. Allele origin: unknown. Inheritance: Autosomal dominant inheritance. Affected: yes. Observed: 1 variant allele, 1 heterozygote. Not counted in ClinVar's aggregate classification.
Comment: We reported this variant in a family in our Unit. So far, the mutations identified in this gene are associated with dilated cardiomyopathy. Although most of these mutations affect two highly relevant functional regions encoded by exons 9 and exon 14, there is a study that identified other mutations potentially associated with the development of DCM, which were distributed throughout the gene (Refaat et al.).

Literature cited by the submitters: PubMed 34174465 (cited by Labcorp Genetics (formerly Invitae), Labcorp); PubMed 22004663 (cited by Heart Failure and Familial Heart Diseases Unit, Hospital Universitario Virgen de la Victoria).

NM_001134363.3(RBM20):c.580A>G (p.Met194Val)

Gene: RBM20 (RNA binding motif protein 20; plus strand). Cytogenetic location: 10q25.2.
Variant type: single nucleotide variant.
Coding change: c.580A>G on transcript NM_001134363.3 (MANE Select); coding-DNA position 580, A replaced by G.
Protein change: p.Met194Val; replaces methionine 194 with valine.
Molecular consequence: missense variant.
Genome position (GRCh38, 1-based): chr10:110,781,189, A>G. VCF-style: chr10-110781189-A-G. GRCh37 (hg19) VCF-style: chr10-112540947-A-G.
Other names: c.580A>G (NM_001134363.1); short protein forms M194V.
Identifiers: ClinVar variation 1065529 (VCV001065529.10), dbSNP rs2135042187, ClinGen allele CA378381368.
Genomic context (GRCh38, chr10:110,781,189, plus strand): 5'-CCCAGCCAGACACGAGGCCCCGGACCCTCCATGAACCTTCCCAACCAGCCACCCAGTGCC[A>G]TGGTGATGCATCCTTTCACTGGGGTAATGCCTCAGACCCCTGGCCAGCCAGCAGTCATCT-3'
Protein context (NP_001127835.2, residues 184-204): MNLPNQPPSA[Met194Val]VMHPFTGVMP